The following is an entry in ClinVar:

NM_007294.4(BRCA1):c.451del (p.Ser151fs)

Gene: BRCA1 (BRCA1 DNA repair associated; minus strand). Cytogenetic location: 17q21.31.
Variant type: Deletion.
Coding change: c.451del on transcript NM_007294.4 (MANE Select); coding-DNA position 451, one base deleted (A; older notation c.451delA).
Protein change: p.Ser151fs; shifts the reading frame from serine 151.
Molecular consequence: frameshift variant. On other transcripts: intron variant (2).
Genome position (GRCh38, 1-based): chr17:43,099,871, T deleted on the plus strand (A on the coding strand, the reverse complement: BRCA1 is on the minus strand). VCF-style (leftmost placement, unchanged base first): chr17-43099870-CT-C. GRCh37 (hg19) VCF-style: chr17-41251887-CT-C.
Other names: c.451del, p.Ser151fs (NM_001408494.1, NM_007298.4, NM_007299.4 and 96 more transcripts); c.448del, p.Ser150fs (NM_001408495.1, NM_001407972.1, NM_001407984.1 and 65 more transcripts); c.310del, p.Ser104fs (NM_001408496.1, NM_001408497.1, NM_001408498.1 and 61 more transcripts); c.241del, p.Ser81fs (NM_001408502.1, NM_001408506.1, NM_001408507.1 and 37 more transcripts); c.307del, p.Ser103fs (NM_001408503.1, NM_001408504.1, NM_001408505.1 and 35 more transcripts); c.238del, p.Ser80fs (NM_001408508.1, NM_001408509.1, NM_001407954.1 and 18 more transcripts); c.70del, p.Ser24fs (NM_001408510.1, NM_001408512.1, NM_001407959.1 and 3 more transcripts); c.-218-5011del (NM_001407967.1, NM_001407966.1); and 5 more; short protein forms S103fs, S104fs, S106fs, S124fs, S125fs, S148fs, S150fs, S151fs.
Identifiers: ClinVar variation 4876137 (VCV004876137.1).
Genomic context (GRCh38, chr17:43,099,870, plus strand): 5'-ATCCGCTGCTTTGTCCTCAGAGTTCTCACAGTTCCAAGGTTAGAGAGTTGGACACTGAGA[CT>C]GGTTTCCTGCTAAACAGTATGGTAAAGAACAGTCAAGCAATTGTTGGCCAGTTCTGTGCT-3'

ClinVar aggregate classification (germline): Pathogenic (1 of 4 stars; one submission).

Conditions:
Breast-ovarian cancer, familial, susceptibility to, 1 (BROVCA1). Also called: OVARIAN CANCER, SUSCEPTIBILITY TO; BRCA1 Hereditary Breast and Ovarian Cancer. Identifiers: Orphanet 145, MedGen C2676676, MONDO:0011450, OMIM 604370. Disease mechanism: loss of function.

Submission:

Myriad Genetics, Inc.
Classification: Pathogenic for Breast-ovarian cancer, familial, susceptibility to, 1. Last evaluated: 2026-05-12. Review status: criteria provided, single submitter. Criteria: Myriad Autosomal Dominant, Autosomal Recessive and X-Linked Classification Criteria (2023). Collection method: clinical testing. Allele origin: unknown.
Comment: This variant is considered pathogenic. This variant creates a frameshift predicted to result in premature protein truncation.